The following is an entry in ClinVar:

NM_000170.3(GLDC):c.602C>G (p.Thr201Ser)

Gene: GLDC (glycine decarboxylase; minus strand). Cytogenetic location: 9p24.1.
Variant type: single nucleotide variant.
Coding change: c.602C>G on transcript NM_000170.3 (MANE Select); coding-DNA position 602, C replaced by G.
Protein change: p.Thr201Ser; replaces threonine 201 with serine.
Molecular consequence: missense variant.
Genome position (GRCh38, 1-based): chr9:6,610,225, G>C on the plus strand (C>G on the coding strand, the complement: GLDC is on the minus strand). VCF-style: chr9-6610225-G-C. GRCh37 (hg19) VCF-style: chr9-6610225-G-C.
Other names: short protein forms T201S.
Identifiers: ClinVar variation 1905104 (VCV001905104.6), dbSNP rs2489110921, ClinGen allele CA372898220.
Genomic context (GRCh38, chr9:6,610,225, plus strand): 5'-ATTCCAGCACTTTGAGAGGCCTCTCACCTGTAGCACAGCTGCAGTGCCTCTGCGGCTGCA[G>C]TCCCCTCATCCAGCAGGGATGCATTGGCCATGTCCAGGCCTGTGATGTCACACACCATGG-3'
Protein context (NP_000161.2, residues 191-211): MANASLLDEG[Thr201Ser]AAAEALQLCY

ClinVar aggregate classification (germline): Uncertain significance. Review status: criteria provided, multiple submitters, no conflicts (2 of 4 stars). 2 submissions from 2 submitters: Uncertain significance (2). Last evaluated 2025-09-02.

Conditions:
Glycine encephalopathy. Also called: Non-ketotic hyperglycinemia; Nonketotic hyperglycinemia. Identifiers: Orphanet 407, MedGen C0751748, MONDO:0011612, HP:0008288.
Inborn genetic diseases. Identifiers: MedGen C0950123, MeSH D030342.

Allele frequency attached by ClinVar (database versions not stated): gnomAD exomes below 0.00001.
gnomAD v4.1: 1 of 1,613,568 alleles (0.000062%); highest among the groups gnomAD compares: African/African-American, 0.0013%; no homozygotes.

Submissions (2):

Labcorp Genetics (formerly Invitae), Labcorp
Classification: Uncertain significance for Glycine encephalopathy. Last evaluated: 2025-09-02. Review status: criteria provided, single submitter. Criteria: Invitae Variant Classification Sherloc (09022015). Collection method: clinical testing. Allele origin: germline.
Comment: This sequence change replaces threonine, which is neutral and polar, with serine, which is neutral and polar, at codon 201 of the GLDC protein (p.Thr201Ser). This variant is not present in population databases (gnomAD no frequency). This variant has not been reported in the literature in individuals affected with GLDC-related conditions. ClinVar contains an entry for this variant (Variation ID: 1905104). Invitae Evidence Modeling of protein sequence and biophysical properties (such as structural, functional, and spatial information, amino acid conservation, physicochemical variation, residue mobility, and thermodynamic stability) indicates that this missense variant is not expected to disrupt GLDC protein function with a negative predictive value of 80%. In summary, the available evidence is currently insufficient to determine the role of this variant in disease. Therefore, it has been classified as a Variant of Uncertain Significance.

Ambry Genetics
Classification: Uncertain significance for Inborn genetic diseases. Last evaluated: 2022-06-10. Review status: criteria provided, single submitter. Criteria: Ambry Variant Classification Scheme 2023. Collection method: clinical testing. Allele origin: germline.